The following is an entry in ClinVar:

ClinVar aggregate classification (germline): Uncertain significance (1 of 4 stars; one submission).

Submission:

GeneDx
Classification: Uncertain significance. Last evaluated: 2026-02-06. Review status: criteria provided, single submitter. Criteria: GeneDx Variant Classification Process June 2021. Collection method: clinical testing. Allele origin: germline.
Comment: Not observed at significant frequency in large population cohorts (gnomAD); In silico analysis supports that this missense variant has a deleterious effect on protein structure/function; Has not been previously published as pathogenic or benign to our knowledge

NM_001080421.3(UNC13A):c.2481C>A (p.Phe827Leu)

Gene: UNC13A (unc-13 homolog A; minus strand). Cytogenetic location: 19p13.11.
Variant type: single nucleotide variant.
Coding change: c.2481C>A on transcript NM_001080421.3 (MANE Select); coding-DNA position 2481, C replaced by A.
Protein change: p.Phe827Leu; replaces phenylalanine 827 with leucine.
Molecular consequence: missense variant.
Genome position (GRCh38, 1-based): chr19:17,641,548, G>T on the plus strand (C>A on the coding strand, the complement: UNC13A is on the minus strand). VCF-style: chr19-17641548-G-T. GRCh37 (hg19) VCF-style: chr19-17752357-G-T.
Other names: c.2475C>A, p.Phe825Leu (NM_001387021.1, NM_001387022.1, NM_001387023.1); short protein forms F825L, F827L.
Identifiers: ClinVar variation 4976327 (VCV004976327.1).
Genomic context (GRCh38, chr19:17,641,548, plus strand): 5'-GTCACCCTTGGCATCTGGGATCTTCACGACCCCATTGTTCTGCACGTCGGTCACGAAGTG[G>T]AACAGGTTCTGCCACCATGGGAGAGAAAGTGTCATGGAGAGTGCAAGGGGTCGCCGGGGG-3'
Protein context (NP_001073890.2, residues 817-837): VQYTCLHENL[Phe827Leu]HFVTDVQNNG